The following is an entry in ClinVar:

NM_032444.4(SLX4):c.4484C>T (p.Ala1495Val)

Gene: SLX4 (SLX4 structure-specific endonuclease subunit; minus strand). Cytogenetic location: 16p13.3.
Variant type: single nucleotide variant.
Coding change: c.4484C>T on transcript NM_032444.4 (MANE Select); coding-DNA position 4484, C replaced by T.
Protein change: p.Ala1495Val; replaces alanine 1495 with valine.
Molecular consequence: missense variant.
Genome position (GRCh38, 1-based): chr16:3,589,154, G>A on the plus strand (C>T on the coding strand, the complement: SLX4 is on the minus strand). VCF-style: chr16-3589154-G-A. GRCh37 (hg19) VCF-style: chr16-3639155-G-A.
Other names: c.4484C>T (LRG_503t1); short protein forms A1495V.
Identifiers: ClinVar variation 658057 (VCV000658057.11), dbSNP rs777033175, ClinGen allele CA7865626.

ClinVar aggregate classification (germline): Uncertain significance. Review status: criteria provided, multiple submitters, no conflicts (2 of 4 stars). 3 submissions from 3 submitters: Uncertain significance (3). Last evaluated 2025-09-05.

Conditions:
Inborn genetic diseases. Identifiers: MedGen C0950123, MeSH D030342.
Fanconi anemia complementation group P. Also called: SLX4-Related Fanconi Anemia. Identifiers: Orphanet 84, MedGen C3469542, MONDO:0013499, OMIM 613951.
Fanconi anemia (FA). Also called: Fanconi's anemia. Identifiers: Orphanet 84, MedGen C0015625, MeSH D005199, MONDO:0019391.

Allele frequency attached by ClinVar (database versions not stated): gnomAD 0.00002; TOPMed 0.00002; gnomAD exomes 0.00003 and 0.00004; ExAC 0.00004.
gnomAD v4.1: 42 of 1,613,916 alleles (0.0026%); highest among the groups gnomAD compares: South Asian, 0.023%; no homozygotes.

Submissions (3):

Labcorp Genetics (formerly Invitae), Labcorp
Classification: Uncertain significance for Fanconi anemia. Last evaluated: 2025-09-05. Review status: criteria provided, single submitter. Criteria: Invitae Variant Classification Sherloc (09022015). Collection method: clinical testing. Allele origin: germline.
Comment: This sequence change replaces alanine, which is neutral and non-polar, with valine, which is neutral and non-polar, at codon 1495 of the SLX4 protein (p.Ala1495Val). This variant is present in population databases (rs777033175, gnomAD 0.02%). This variant has not been reported in the literature in individuals affected with SLX4-related conditions. ClinVar contains an entry for this variant (Variation ID: 658057). An algorithm developed to predict the effect of missense changes on protein structure and function (PolyPhen-2) suggests that this variant is likely to be tolerated. In summary, the available evidence is currently insufficient to determine the role of this variant in disease. Therefore, it has been classified as a Variant of Uncertain Significance.

Ambry Genetics
Classification: Uncertain significance for Inborn genetic diseases. Last evaluated: 2024-12-03. Review status: criteria provided, single submitter. Criteria: Ambry Variant Classification Scheme 2023. Collection method: clinical testing. Allele origin: germline.

Fulgent Genetics
Classification: Uncertain significance for Fanconi anemia complementation group P. Last evaluated: 2024-03-30. Review status: criteria provided, single submitter. Criteria: ACMG Guidelines, 2015. Collection method: clinical testing. Allele origin: germline.